The following is an entry in ClinVar:

ClinVar aggregate classification (germline): Uncertain significance (1 of 4 stars; one submission).

Conditions:
Microcephaly, normal intelligence and immunodeficiency (NBS). Also called: BERLIN BREAKAGE SYNDROME; Immunodeficiency, microcephaly with normal intelligence; IMMUNODEFICIENCY, MICROCEPHALY, AND CHROMOSOMAL INSTABILITY; SEEMANOVA SYNDROME II; Nijmegen breakage syndrome; Microcephaly with normal intelligence immunodeficiency and lymphoreticular malignancies. Identifiers: Orphanet 647, MedGen C0398791, MONDO:0009623, OMIM 251260.

Submission:

Labcorp Genetics (formerly Invitae), Labcorp
Classification: Uncertain significance for Microcephaly, normal intelligence and immunodeficiency. Last evaluated: 2019-02-12. Review status: criteria provided, single submitter. Criteria: Invitae Variant Classification Sherloc (09022015). Collection method: clinical testing. Allele origin: unknown.
Comment: In summary, the available evidence is currently insufficient to determine the role of this variant in disease. Therefore, it has been classified as a Variant of Uncertain Significance. This variant has not been reported in the literature in individuals with NBN-related conditions. This variant results in a copy number gain of the genomic region encompassing exons 1-4 of the NBN gene. The 5' end of this event is unknown as it extends beyond the assayed region for this gene and therefore may encompass additional genes. The 3' boundary is likely confined to intron 4 of the NBN gene. As the precise location of this event is unknown, it may be in tandem or it may be located elsewhere in the genome.

NC_000008.11:g.(?_89980724)_(89984571_?)dup

Gene: NBN (nibrin; minus strand). Cytogenetic location: 8q21.3.
Variant type: Duplication.
Identifiers: ClinVar variation 3245500 (VCV003245500.1).